The following is an entry in ClinVar:

NM_022041.4(GAN):c.1199C>G (p.Thr400Ser)

Gene: GAN (gigaxonin; plus strand). Cytogenetic location: 16q23.2.
Variant type: single nucleotide variant.
Coding change: c.1199C>G on transcript NM_022041.4 (MANE Select); coding-DNA position 1199, C replaced by G.
Protein change: p.Thr400Ser; replaces threonine 400 with serine.
Molecular consequence: missense variant.
Genome position (GRCh38, 1-based): chr16:81,363,906, C>G. VCF-style: chr16-81363906-C-G. GRCh37 (hg19) VCF-style: chr16-81397511-C-G.
Other names: p.Thr400Ser; c.560C>G, p.Thr187Ser (NM_001377486.1); short protein forms T400S, T187S.
Identifiers: ClinVar variation 566391 (VCV000566391.12), dbSNP rs368571975, ClinGen allele CA8191644.

ClinVar aggregate classification (germline): Uncertain significance. Review status: criteria provided, multiple submitters, no conflicts (2 of 4 stars). 5 submissions from 5 submitters: Uncertain significance (5). Last evaluated 2026-07-01.

Conditions:
Inborn genetic diseases. Identifiers: MedGen C0950123, MeSH D030342.
Giant axonal neuropathy 1 (GAN1). Also called: GAN-Related Neurodegeneration; GIANT AXONAL NEUROPATHY 1, AUTOSOMAL RECESSIVE. Identifiers: Orphanet 643, MedGen C1850386, MONDO:0009749, OMIM 256850.

Allele frequency attached by ClinVar (database versions not stated): ESP Exome Variant Server 0.00008; gnomAD 0.00009; TOPMed 0.00009.
gnomAD v4.1: 199 of 1,613,392 alleles (0.012%); highest among the groups gnomAD compares: Non-Finnish European, 0.016%; no homozygotes.

Submissions (5):

CeGaT Center for Human Genetics Tuebingen
Classification: Uncertain significance. Last evaluated: 2026-07-01. Review status: criteria provided, single submitter. Criteria: CeGaT Center For Human Genetics Tuebingen Variant Classification Criteria Version 2. Collection method: clinical testing. Allele origin: germline. Affected: yes. Observed: 1 variant allele.
Comment: GAN: PM2

Mayo Clinic Laboratories, Mayo Clinic
Classification: Uncertain significance. Last evaluated: 2023-05-12. Review status: criteria provided, single submitter. Criteria: ACMG Guidelines, 2015. Collection method: clinical testing. Allele origin: germline. Observed: 1 variant allele.
Comment: BP4

Labcorp Genetics (formerly Invitae), Labcorp
Classification: Uncertain significance for Giant axonal neuropathy 1. Last evaluated: 2022-09-13. Review status: criteria provided, single submitter. Criteria: Invitae Variant Classification Sherloc (09022015). Collection method: clinical testing. Allele origin: germline.
Comment: This sequence change replaces threonine, which is neutral and polar, with serine, which is neutral and polar, at codon 400 of the GAN protein (p.Thr400Ser). This variant is present in population databases (rs368571975, gnomAD 0.02%). This variant has not been reported in the literature in individuals affected with GAN-related conditions. ClinVar contains an entry for this variant (Variation ID: 566391). Advanced modeling of protein sequence and biophysical properties (such as structural, functional, and spatial information, amino acid conservation, physicochemical variation, residue mobility, and thermodynamic stability) performed at Invitae indicates that this missense variant is not expected to disrupt GAN protein function. Algorithms developed to predict the effect of sequence changes on RNA splicing suggest that this variant may create or strengthen a splice site. In summary, the available evidence is currently insufficient to determine the role of this variant in disease. Therefore, it has been classified as a Variant of Uncertain Significance.

Ambry Genetics
Classification: Uncertain significance for Inborn genetic diseases. Last evaluated: 2021-09-16. Review status: criteria provided, single submitter. Criteria: Ambry Variant Classification Scheme 2023. Collection method: clinical testing. Allele origin: germline.
Comment: The p.T400S variant (also known as c.1199C>G), located in coding exon 7 of the GAN gene, results from a C to G substitution at nucleotide position 1199. The threonine at codon 400 is replaced by serine, an amino acid with similar properties. This amino acid position is conserved. In addition, this alteration is predicted to be tolerated by in silico analysis. Since supporting evidence is limited at this time, the clinical significance of this alteration remains unclear.

Illumina Laboratory Services, Illumina
Classification: Uncertain significance for Giant axonal neuropathy 1. Last evaluated: 2018-01-12. Review status: criteria provided, single submitter. Criteria: ICSL Variant Classification Criteria 13 December 2019. Collection method: clinical testing. Allele origin: germline.